The following is an entry in ClinVar:

NM_005188.4(CBL):c.*5756G>A

Gene: CBL (Cbl proto-oncogene; plus strand). Cytogenetic location: 11q23.3.
Variant type: single nucleotide variant.
Coding change: c.*5756G>A on transcript NM_005188.4 (MANE Select); 5756 bases downstream of the stop codon, G replaced by A.
Molecular consequence: 3 prime UTR variant.
Genome position (GRCh38, 1-based): chr11:119,305,537, G>A. VCF-style: chr11-119305537-G-A. GRCh37 (hg19) VCF-style: chr11-119176247-G-A.
Identifiers: ClinVar variation 302870 (VCV000302870.5), dbSNP rs542978255, ClinGen allele CA10633722.

ClinVar aggregate classification (germline): Benign (1 of 4 stars; one submission).

Conditions:
CBL-related disorder. Also called: NOONAN SYNDROME-LIKE DISORDER WITHOUT JUVENILE MYELOMONOCYTIC LEUKEMIA; CBL MUTATION-ASSOCIATED SYNDROME; CBL SYNDROME. Identifiers: Orphanet 363972, MedGen C3150803, MONDO:0013308, OMIM 613563.

Allele frequency attached by ClinVar (database versions not stated): 1000 Genomes Project 0.00040; 1000 Genomes Project 30x 0.00047; gnomAD 0.00145 and 0.00148; TOPMed 0.00145; gnomAD exomes 0.00172.

Submission:

Illumina Laboratory Services, Illumina
Classification: Benign for CBL-related disorder. Last evaluated: 2018-01-13. Review status: criteria provided, single submitter. Criteria: ICSL Variant Classification Criteria 13 December 2019. Collection method: clinical testing. Allele origin: germline.
Comment: This variant was observed in the ICSL laboratory as part of a predisposition screen in an ostensibly healthy population. It had not been previously curated by ICSL or reported in the Human Gene Mutation Database (HGMD: prior to June 1st, 2018), and was therefore a candidate for classification through an automated scoring system. Utilizing variant allele frequency, disease prevalence and penetrance estimates, and inheritance mode, an automated score was calculated to assess if this variant is too frequent to cause the disease. Based on the score and internal cut-off values, a variant classified as benign is not then subjected to further curation. The score for this variant resulted in a classification of benign for this disease.